The following is an entry in ClinVar:

NM_001368397.1(FRMPD4):c.1171C>A (p.Gln391Lys)

Gene: FRMPD4 (FERM and PDZ domain containing 4; plus strand). Cytogenetic location: Xp22.2.
Variant type: single nucleotide variant.
Coding change: c.1171C>A on transcript NM_001368397.1 (MANE Select); coding-DNA position 1171, C replaced by A.
Protein change: p.Gln391Lys; replaces glutamine 391 with lysine.
Molecular consequence: missense variant.
Genome position (GRCh38, 1-based): chrX:12,704,459, C>A. VCF-style: chrX-12704459-C-A. GRCh37 (hg19) VCF-style: chrX-12722578-C-A.
Other names: c.1282C>A, p.Gln428Lys (NM_001368395.3, NM_001368398.3); c.1177C>A, p.Gln393Lys (NM_001368396.3); c.1162C>A, p.Gln388Lys (NM_001368399.3); c.1051C>A, p.Gln351Lys (NM_001368400.3); c.1147C>A, p.Gln383Lys (NM_001368401.1, NM_001368402.3); c.1171C>A, p.Gln391Lys (NM_014728.3); short protein forms Q351K, Q383K, Q388K, Q391K, Q393K, Q428K.
Identifiers: ClinVar variation 1198169 (VCV001198169.2), dbSNP rs1238062249, ClinGen allele CA412008853.
Genomic context (GRCh38, chrX:12,704,459, plus strand): 5'-CTGCAAAGCATGAAAGAGAAGAACATAAAGAAAGCACTTTCACACCTTGTCAAAGCAAAT[C>A]AAAACTTGGTACCACCGGGTAAAAAGGTATCACATTTCCATCTTAAAAGAAAATTATAAA-3'
Protein context (NP_001355326.1, residues 381-401): KALSHLVKAN[Gln391Lys]NLVPPGKKLS

ClinVar aggregate classification (germline): Uncertain significance (1 of 4 stars; one submission).

Allele frequency attached by ClinVar (database versions not stated): TOPMed below 0.00001; gnomAD 0.00001 and 0.00002; gnomAD exomes 0.00001.
gnomAD v4.1: 13 of 1,185,736 alleles (0.0011%); highest among the groups gnomAD compares: Non-Finnish European, 0.0012%; no homozygotes.

Submission:

GeneDx
Classification: Uncertain significance. Last evaluated: 2019-09-06. Review status: criteria provided, single submitter. Criteria: GeneDx Variant Classification Process June 2021. Collection method: clinical testing. Allele origin: germline. Affected: yes.
Comment: Not observed in large population cohorts (Lek et al., 2016); In silico analysis, which includes protein predictors and evolutionary conservation, supports a deleterious effect; Has not been previously published as pathogenic or benign to our knowledge